The following is an entry in ClinVar:

NM_001378454.1(ALMS1):c.12214T>A (p.Leu4072Ile)

Genes: ALMS1 (ALMS1 centrosome and basal body associated protein; plus strand), LOC126806252 (BRD4-independent group 4 enhancer GRCh37_chr2:73828496-73829695; plus strand). Cytogenetic location: 2p13.1.
Variant type: single nucleotide variant.
Coding change: c.12214T>A on transcript NM_001378454.1 (MANE Select); coding-DNA position 12214, T replaced by A.
Protein change: p.Leu4072Ile; replaces leucine 4072 with isoleucine.
Molecular consequence: missense variant.
Genome position (GRCh38, 1-based): chr2:73,602,284, T>A. VCF-style: chr2-73602284-T-A. GRCh37 (hg19) VCF-style: chr2-73829411-T-A.
Other names: c.12217T>A, p.Leu4073Ile (NM_015120.4); short protein forms L4073I, L4072I.
Identifiers: ClinVar variation 1753074 (VCV001753074.2), dbSNP rs2466526565, ClinGen allele CA347268177.

ClinVar aggregate classification (germline): Uncertain significance (1 of 4 stars; one submission).

Conditions:
Cardiovascular phenotype. Identifiers: MedGen CN230736.

Submission:

Ambry Genetics
Classification: Uncertain significance for Cardiovascular phenotype. Last evaluated: 2022-05-05. Review status: criteria provided, single submitter. Criteria: Ambry Variant Classification Scheme 2023. Collection method: clinical testing. Allele origin: germline.
Comment: The p.L4073I variant (also known as c.12217T>A), located in coding exon 20 of the ALMS1 gene, results from a T to A substitution at nucleotide position 12217. The leucine at codon 4073 is replaced by isoleucine, an amino acid with highly similar properties. This amino acid position is well conserved in available vertebrate species. In addition, this alteration is predicted to be tolerated by in silico analysis. Since supporting evidence is limited at this time, the clinical significance of this alteration remains unclear.